The following is an entry in ClinVar:

ClinVar aggregate classification (germline): Uncertain significance (1 of 4 stars; one submission).

Conditions:
Progressive sclerosing poliodystrophy (MTDPS4A). Also called: ALPERS PROGRESSIVE INFANTILE POLIODYSTROPHY; NEURONAL DEGENERATION OF CHILDHOOD WITH LIVER DISEASE, PROGRESSIVE; Alpers Syndrome; ALPERS DIFFUSE DEGENERATION OF CEREBRAL GRAY MATTER WITH HEPATIC CIRRHOSIS; Alpers-Huttenlocher Syndrome; Mitochondrial DNA depletion syndrome 4A (Alpers type). Identifiers: Orphanet 726, MedGen C0205710, MONDO:0008758, OMIM 203700.

Allele frequency attached by ClinVar (database versions not stated): TOPMed below 0.00001.
gnomAD v4.1: 1 of 1,614,108 alleles (0.000062%); highest among the groups gnomAD compares: East Asian, 0.0022%; no homozygotes.

Submission:

Labcorp Genetics (formerly Invitae), Labcorp
Classification: Uncertain significance for Progressive sclerosing poliodystrophy. Last evaluated: 2024-12-03. Review status: criteria provided, single submitter. Criteria: Invitae Variant Classification Sherloc (09022015). Collection method: clinical testing. Allele origin: germline.
Comment: This sequence change replaces alanine, which is neutral and non-polar, with valine, which is neutral and non-polar, at codon 520 of the POLG protein (p.Ala520Val). This variant is present in population databases (no rsID available, gnomAD 0.006%). This variant has not been reported in the literature in individuals affected with POLG-related conditions. ClinVar contains an entry for this variant (Variation ID: 2743203). Invitae Evidence Modeling of protein sequence and biophysical properties (such as structural, functional, and spatial information, amino acid conservation, physicochemical variation, residue mobility, and thermodynamic stability) indicates that this missense variant is not expected to disrupt POLG protein function with a negative predictive value of 95%. In summary, the available evidence is currently insufficient to determine the role of this variant in disease. Therefore, it has been classified as a Variant of Uncertain Significance.

NM_002693.3(POLG):c.1559C>T (p.Ala520Val)

Gene: POLG (DNA polymerase gamma, catalytic subunit; minus strand). Cytogenetic location: 15q26.1.
Variant type: single nucleotide variant.
Coding change: c.1559C>T on transcript NM_002693.3 (MANE Select); coding-DNA position 1559, C replaced by T.
Protein change: p.Ala520Val; replaces alanine 520 with valine.
Molecular consequence: missense variant.
Genome position (GRCh38, 1-based): chr15:89,326,938, G>A on the plus strand (C>T on the coding strand, the complement: POLG is on the minus strand). VCF-style: chr15-89326938-G-A. GRCh37 (hg19) VCF-style: chr15-89870169-G-A.
Other names: c.1559C>T, p.Ala520Val (NM_001126131.2); short protein forms A520V.
Identifiers: ClinVar variation 2743203 (VCV002743203.3), dbSNP rs763550865, ClinGen allele CA393760753.